The following is an entry in ClinVar:

NM_000051.4(ATM):c.1351C>G (p.Arg451Gly)

Gene: ATM (ATM serine/threonine kinase; plus strand). Cytogenetic location: 11q22.3.
Variant type: single nucleotide variant.
Coding change: c.1351C>G on transcript NM_000051.4 (MANE Select); coding-DNA position 1351, C replaced by G.
Protein change: p.Arg451Gly; replaces arginine 451 with glycine.
Molecular consequence: missense variant.
Genome position (GRCh38, 1-based): chr11:108,250,816, C>G. VCF-style: chr11-108250816-C-G. GRCh37 (hg19) VCF-style: chr11-108121543-C-G.
Other names: c.1351C>G, p.Arg451Gly (NM_001351834.2); short protein forms R451G.
Identifiers: ClinVar variation 1410688 (VCV001410688.6), dbSNP rs201719927, ClinGen allele CA382533778.

ClinVar aggregate classification (germline): Uncertain significance (1 of 4 stars; one submission).

Conditions:
Ataxia-telangiectasia syndrome (AT). Also called: LOUIS-BAR SYNDROME; Cerebello-oculocutaneous telangiectasia; Immunodeficiency with ataxia telangiectasia; ATAXIA-TELANGIECTASIA, COMPLEMENTATION GROUP A; ATAXIA-TELANGIECTASIA, FRESNO VARIANT; Ataxia-telangiectasia, complementation group D. Identifiers: Orphanet 100, MedGen C0004135, MONDO:0008840, OMIM 208900.

Submission:

Labcorp Genetics (formerly Invitae), Labcorp
Classification: Uncertain significance for Ataxia-telangiectasia syndrome. Last evaluated: 2025-05-26. Review status: criteria provided, single submitter. Criteria: Invitae Variant Classification Sherloc (09022015). Collection method: clinical testing. Allele origin: germline.
Comment: This sequence change replaces arginine, which is basic and polar, with glycine, which is neutral and non-polar, at codon 451 of the ATM protein (p.Arg451Gly). This variant is not present in population databases (gnomAD no frequency). This variant has not been reported in the literature in individuals affected with ATM-related conditions. ClinVar contains an entry for this variant (Variation ID: 1410688). Invitae Evidence Modeling of protein sequence and biophysical properties (such as structural, functional, and spatial information, amino acid conservation, physicochemical variation, residue mobility, and thermodynamic stability) indicates that this missense variant is not expected to disrupt ATM protein function with a negative predictive value of 95%. Algorithms developed to predict the effect of sequence changes on RNA splicing suggest that this variant may create or strengthen a splice site. In summary, the available evidence is currently insufficient to determine the role of this variant in disease. Therefore, it has been classified as a Variant of Uncertain Significance.